The following is an entry in ClinVar:

ClinVar aggregate classification (germline): Uncertain significance (1 of 4 stars; one submission).

gnomAD v4.1: 1 of 1,572,630 alleles (0.000064%); highest among the groups gnomAD compares: Non-Finnish European, 0.000086%; no homozygotes.

Submission:

GeneDx
Classification: Uncertain significance. Last evaluated: 2024-08-02. Review status: criteria provided, single submitter. Criteria: GeneDx Variant Classification Process June 2021. Collection method: clinical testing. Allele origin: germline. Affected: yes.
Comment: Not observed at significant frequency in large population cohorts (gnomAD); In silico analysis indicates that this missense variant does not alter protein structure/function; Has not been previously published as pathogenic or benign to our knowledge

NM_182641.4(BPTF):c.2840A>G (p.Asp947Gly)

Gene: BPTF (bromodomain PHD finger transcription factor; plus strand). Cytogenetic location: 17q24.2.
Variant type: single nucleotide variant.
Coding change: c.2840A>G on transcript NM_182641.4 (MANE Select); coding-DNA position 2840, A replaced by G.
Protein change: p.Asp947Gly; replaces aspartic acid 947 with glycine.
Molecular consequence: missense variant.
Genome position (GRCh38, 1-based): chr17:67,909,609, A>G. VCF-style: chr17-67909609-A-G. GRCh37 (hg19) VCF-style: chr17-65905725-A-G.
Other names: c.3218A>G, p.Asp1073Gly (NM_004459.7); short protein forms D1073G, D947G.
Identifiers: ClinVar variation 3602220 (VCV003602220.1).